The following is an entry in ClinVar:

NM_000069.3(CACNA1S):c.259-15C>T

Gene: CACNA1S (calcium voltage-gated channel subunit alpha1 S; minus strand). Cytogenetic location: 1q32.1.
Variant type: single nucleotide variant.
Coding change: c.259-15C>T on transcript NM_000069.3 (MANE Select); 15 bases into the intron before coding-DNA position 259, C replaced by T.
Molecular consequence: intron variant.
Genome position (GRCh38, 1-based): chr1:201,094,036, G>A on the plus strand (C>T on the coding strand, the complement: CACNA1S is on the minus strand). VCF-style: chr1-201094036-G-A. GRCh37 (hg19) VCF-style: chr1-201063164-G-A.
Identifiers: ClinVar variation 3069979 (VCV003069979.5), dbSNP rs373666310, ClinGen allele CA079106.

ClinVar aggregate classification (germline): Likely benign. Review status: criteria provided, multiple submitters, no conflicts (2 of 4 stars). 4 submissions from 4 submitters: Likely benign (4). Last evaluated 2024-09-25.

Conditions:
Malignant hyperthermia, susceptibility to, 5 (MHS5). Also called: CACNA1S-Related Malignant Hyperthermia Susceptibility. Identifiers: Orphanet 423, MedGen C1866077, MONDO:0011163, OMIM 601887.
Hypokalemic periodic paralysis, type 1. Also called: Hypokalemic Periodic Paralysis Type 1 (AD); HypoPP. Identifiers: Orphanet 681, MedGen C3714580, MONDO:0042979, OMIM 170400.

Allele frequency attached by ClinVar (database versions not stated): gnomAD 0.00001; gnomAD exomes 0.00001; ExAC 0.00002; TOPMed 0.00002; ESP Exome Variant Server 0.00008.
gnomAD v4.1: 23 of 1,613,972 alleles (0.0014%); highest among the groups gnomAD compares: Non-Finnish European, 0.0019%; no homozygotes.

Submissions (4):

Women's Health and Genetics/Laboratory Corporation of America, LabCorp
Classification: Likely benign. Last evaluated: 2024-09-25. Review status: criteria provided, single submitter. Criteria: LabCorp Variant Classification Summary - May 2015. Collection method: clinical testing. Allele origin: germline.
Comment: Variant summary: CACNA1S c.259-15C>T alters a non-conserved nucleotide located at a position not widely known to affect splicing. Consensus agreement among computation tools predict no significant impact on normal splicing. However, these predictions have yet to be confirmed by functional studies. The variant allele was found at a frequency of 3.2e-05 in 251438 control chromosomes. The available data on variant occurrences in the general population are insufficient to allow any conclusion about variant significance. To our knowledge, no occurrence of c.259-15C>T in individuals affected with Hypokalemic Periodic Paralysis and no experimental evidence demonstrating its impact on protein function have been reported. ClinVar contains an entry for this variant (Variation ID: 3069979). Based on the evidence outlined above, the variant was classified as likely benign.

Labcorp Genetics (formerly Invitae), Labcorp
Classification: Likely benign for Hypokalemic periodic paralysis, type 1; Malignant hyperthermia, susceptibility to, 5. Last evaluated: 2024-02-14. Review status: criteria provided, single submitter. Criteria: Invitae Variant Classification Sherloc (09022015). Collection method: clinical testing. Allele origin: germline.

All of Us Research Program, National Institutes of Health
Classification: Likely benign for Malignant hyperthermia, susceptibility to, 5. Last evaluated: 2023-12-01. Review status: criteria provided, single submitter. Criteria: ACMG Guidelines, 2015. Collection method: clinical testing. Allele origin: germline. Inheritance: Autosomal dominant inheritance. Observed: 4 variant alleles, 4 heterozygotes.
Comment: This study involves interpretation of variants in research participants for the purpose of population health screening. Participant phenotype was not available at the time of variant classification. Additional details can be found in publication PMID: 35346344, PMCID: PMC8962531

Color Diagnostics, LLC DBA Color Health
Classification: Likely benign for Malignant hyperthermia, susceptibility to, 5. Last evaluated: 2023-01-20. Review status: criteria provided, single submitter. Criteria: ACMG Guidelines, 2015. Collection method: clinical testing. Allele origin: germline.